The following is an entry in ClinVar:

ClinVar aggregate classification (germline): Uncertain significance (1 of 4 stars; one submission).

Conditions:
Osteogenesis imperfecta type I (OI1). Also called: OI, TYPE I; OSTEOGENESIS IMPERFECTA TARDA; OSTEOGENESIS IMPERFECTA WITH BLUE SCLERAE; Osteogenesis imperfecta type 1; Lobstein's Disease; Lobstein disease. Identifiers: Orphanet 216796, Orphanet 666, MedGen C0023931, MONDO:0008146, OMIM 166200. Disease mechanism: loss of function.

Submission:

Labcorp Genetics (formerly Invitae), Labcorp
Classification: Uncertain significance for Osteogenesis imperfecta type I. Last evaluated: 2022-04-08. Review status: criteria provided, single submitter. Criteria: Invitae Variant Classification Sherloc (09022015). Collection method: clinical testing. Allele origin: germline.
Comment: This sequence change replaces proline, which is neutral and non-polar, with serine, which is neutral and polar, at codon 925 of the COL1A1 protein (p.Pro925Ser). This variant is not present in population databases (gnomAD no frequency). This variant has not been reported in the literature in individuals affected with COL1A1-related conditions. ClinVar contains an entry for this variant (Variation ID: 456755). Advanced modeling of protein sequence and biophysical properties (such as structural, functional, and spatial information, amino acid conservation, physicochemical variation, residue mobility, and thermodynamic stability) performed at Invitae indicates that this missense variant is not expected to disrupt COL1A1 protein function. In summary, the available evidence is currently insufficient to determine the role of this variant in disease. Therefore, it has been classified as a Variant of Uncertain Significance.

NM_000088.4(COL1A1):c.2773C>T (p.Pro925Ser)

Gene: COL1A1 (collagen type I alpha 1 chain; minus strand). Cytogenetic location: 17q21.33.
Variant type: single nucleotide variant.
Coding change: c.2773C>T on transcript NM_000088.4 (MANE Select); coding-DNA position 2773, C replaced by T.
Protein change: p.Pro925Ser; replaces proline 925 with serine.
Molecular consequence: missense variant.
Genome position (GRCh38, 1-based): chr17:50,189,433, G>A on the plus strand (C>T on the coding strand, the complement: COL1A1 is on the minus strand). VCF-style: chr17-50189433-G-A. GRCh37 (hg19) VCF-style: chr17-48266794-G-A.
Other names: short protein forms P925S.
Identifiers: ClinVar variation 456755 (VCV000456755.9), dbSNP rs772929903, ClinGen allele CA400205639.